The following is an entry in ClinVar:

ClinVar aggregate classification (germline): Pathogenic/Likely pathogenic. Review status: criteria provided, multiple submitters, no conflicts (2 of 4 stars). 2 submissions from 2 submitters: Pathogenic (1); Likely pathogenic (1). Last evaluated 2025-12-14.

Conditions:
Bethlem myopathy 1A. Also called: MYOPATHY, BENIGN CONGENITAL, WITH CONTRACTURES; Bethlem Muscular Dystrophy; Bethlem myopathy 1. Identifiers: Orphanet 610, MedGen CN029274, MONDO:0024530, OMIM 158810.
Bethlem myopathy 1B (BTHLM1B). Identifiers: MedGen C5935580, MONDO:0958233, OMIM 620725.

Submissions (2):

3billion
Classification: Likely pathogenic for Bethlem myopathy 1B. Last evaluated: 2025-12-14. Review status: criteria provided, single submitter. Criteria: ACMG Guidelines, 2015. Collection method: clinical testing. Allele origin: germline. Affected: yes.
Comment: The variant is not observed in the gnomAD v4.1.0 dataset. Predicted Consequence/Location: The variant is located in a mutational hot spot and/or well-established functional domain in which established pathogenic variants have been reported. In silico tool predictions suggest damaging effect of the variant on gene or gene product [REVEL: 0.98 (>=0.6, sensitivity 0.68 and specificity 0.92); 3Cnet: 0.99 (> 0.75, sensitivity 0.96 and precision 0.92)]. The same nucleotide change resulting in the same amino acid change has been previously reported to be associated with COL6A2-related disorder (ClinVar ID: VCV001445193 /PMID: 40225934).Different missense changes at the same codon (p.Gly295Arg, p.Gly295Val) have been reported as pathogenic/likely pathogenic with strong evidence (ClinVar ID: VCV000498987, VCV001455757 /PMID: 35387801). Therefore, this variant is classified as Likely pathogenic according to the recommendation of ACMG/AMP guideline.

Labcorp Genetics (formerly Invitae), Labcorp
Classification: Pathogenic for Bethlem myopathy 1A. Last evaluated: 2022-07-06. Review status: criteria provided, single submitter. Criteria: Invitae Variant Classification Sherloc (09022015). Collection method: clinical testing. Allele origin: germline.
Comment: ClinVar contains an entry for this variant (Variation ID: 1445193). This missense change has been observed in individual(s) with clinical features of autosomal dominant COL6A2-related conditions (Invitae). In at least one individual the variant was observed to be de novo. This variant is not present in population databases (gnomAD no frequency). This sequence change replaces glycine, which is neutral and non-polar, with glutamic acid, which is acidic and polar, at codon 295 of the COL6A2 protein (p.Gly295Glu). Advanced modeling of protein sequence and biophysical properties (such as structural, functional, and spatial information, amino acid conservation, physicochemical variation, residue mobility, and thermodynamic stability) performed at Invitae indicates that this missense variant is expected to disrupt COL6A2 protein function. For these reasons, this variant has been classified as Pathogenic. This variant disrupts the triple helix domain of COL6A2. Glycine residues within the Gly-Xaa-Yaa repeats of the triple helix domain are required for the structure and stability of fibrillar collagens (PMID: 7695699, 8218237, 19344236). In COL6A2, missense variants at these glycine residues are significantly enriched in individuals with autosomal dominant disease (PMID: 15689448, 24038877) compared to the general population (ExAC).

Literature cited by the submitters: PubMed 40225934 (cited by 3billion); PubMed 35387801 (cited by 3billion); PubMed 7695699 (cited by Labcorp Genetics (formerly Invitae), Labcorp); PubMed 8218237 (cited by Labcorp Genetics (formerly Invitae), Labcorp); PubMed 19344236 (cited by Labcorp Genetics (formerly Invitae), Labcorp); PubMed 15689448 (cited by Labcorp Genetics (formerly Invitae), Labcorp); PubMed 24038877 (cited by Labcorp Genetics (formerly Invitae), Labcorp).

NM_001849.4(COL6A2):c.884G>A (p.Gly295Glu)

Gene: COL6A2 (collagen type VI alpha 2 chain; plus strand). Cytogenetic location: 21q22.3.
Variant type: single nucleotide variant.
Coding change: c.884G>A on transcript NM_001849.4 (MANE Select); coding-DNA position 884, G replaced by A.
Protein change: p.Gly295Glu; replaces glycine 295 with glutamic acid.
Molecular consequence: missense variant.
Genome position (GRCh38, 1-based): chr21:46,116,037, G>A. VCF-style: chr21-46116037-G-A. GRCh37 (hg19) VCF-style: chr21-47535951-G-A.
Other names: c.884G>A, p.Gly295Glu (NM_058174.3, NM_058175.3); short protein forms G295E.
Identifiers: ClinVar variation 1445193 (VCV001445193.7), dbSNP rs2123626138, ClinGen allele CA410525283.